The following is an entry in ClinVar:

NM_182961.4(SYNE1):c.10223T>C (p.Met3408Thr)

Gene: SYNE1 (spectrin repeat containing nuclear envelope protein 1; minus strand). Cytogenetic location: 6q25.2.
Variant type: single nucleotide variant.
Coding change: c.10223T>C on transcript NM_182961.4 (MANE Select); coding-DNA position 10223, T replaced by C.
Protein change: p.Met3408Thr; replaces methionine 3408 with threonine.
Molecular consequence: missense variant.
Genome position (GRCh38, 1-based): chr6:152,362,246, A>G on the plus strand (T>C on the coding strand, the complement: SYNE1 is on the minus strand). VCF-style: chr6-152362246-A-G. GRCh37 (hg19) VCF-style: chr6-152683381-A-G.
Other names: c.10244T>C, p.Met3415Thr (NM_033071.5); short protein forms M3415T, M3408T.
Identifiers: ClinVar variation 1047209 (VCV001047209.8), dbSNP rs1212823311, ClinGen allele CA366130460.

ClinVar aggregate classification (germline): Uncertain significance (1 of 4 stars; one submission).

Conditions:
Emery-Dreifuss muscular dystrophy 4, autosomal dominant (EDMD4). Also called: EMERY-DREIFUSS MUSCULAR DYSTROPHY 4 WITH VARIABLE FEATURES. Identifiers: Orphanet 261, MedGen C2751807, MONDO:0013071, OMIM 612998.
Autosomal recessive ataxia, Beauce type. Also called: Spinocerebellar ataxia, autosomal recessive 8; ATAXIA, RECESSIVE, OF BEAUCE; SYNE1 Deficiency; SYNE1-Related Autosomal Recessive Cerebellar Ataxia. Identifiers: Orphanet 88644, MedGen C1853116, MONDO:0012549, OMIM 610743.

gnomAD v4.1: 1 of 1,614,226 alleles (0.000062%); highest among the groups gnomAD compares: Non-Finnish European, 0.000085%; no homozygotes.

Submission:

Labcorp Genetics (formerly Invitae), Labcorp
Classification: Uncertain significance for Emery-Dreifuss muscular dystrophy 4, autosomal dominant; Autosomal recessive ataxia, Beauce type. Last evaluated: 2020-06-02. Review status: criteria provided, single submitter. Criteria: Invitae Variant Classification Sherloc (09022015). Collection method: clinical testing. Allele origin: germline.
Comment: This sequence change replaces methionine with threonine at codon 3415 of the SYNE1 protein (p.Met3415Thr). The methionine residue is weakly conserved and there is a moderate physicochemical difference between methionine and threonine. This variant is not present in population databases (ExAC no frequency). This variant has not been reported in the literature in individuals with SYNE1-related conditions. Algorithms developed to predict the effect of missense changes on protein structure and function are either unavailable or do not agree on the potential impact of this missense change (SIFT: "Tolerated"; PolyPhen-2: "Benign"; Align-GVGD: "Class C25"). In summary, the available evidence is currently insufficient to determine the role of this variant in disease. Therefore, it has been classified as a Variant of Uncertain Significance.